The following is an entry in ClinVar:

ClinVar aggregate classification (germline): Likely pathogenic (1 of 4 stars; one submission).

Conditions:
Ataxia-telangiectasia syndrome (AT). Also called: Ataxia-telangiectasia, complementation group D; AT, COMPLEMENTATION GROUP C; ATAXIA-TELANGIECTASIA, COMPLEMENTATION GROUP A; ATAXIA-TELANGIECTASIA, FRESNO VARIANT; Ataxia-telangiectasia; Ataxia telangiectasia (A-T). Identifiers: Orphanet 100, MedGen C0004135, MONDO:0008840, OMIM 208900.

Submission:

Labcorp Genetics (formerly Invitae), Labcorp
Classification: Likely pathogenic for Ataxia-telangiectasia syndrome. Last evaluated: 2019-06-19. Review status: criteria provided, single submitter. Criteria: Invitae Variant Classification Sherloc (09022015). Collection method: clinical testing. Allele origin: germline.
Comment: In summary, the currently available evidence indicates that the variant is pathogenic, but additional data are needed to prove that conclusively. Therefore, this variant has been classified as Likely Pathogenic. Donor and acceptor splice site variants typically lead to a loss of protein function (PMID: 16199547), and loss-of-function variants in ATM are known to be pathogenic (PMID: 23807571, 25614872). This variant has not been reported in the literature in individuals with ATM-related conditions. This variant is not present in population databases (ExAC no frequency). This sequence change affects a donor splice site in intron 53 of the ATM gene. It is expected to disrupt RNA splicing and likely results in an absent or disrupted protein product.

Literature cited by the submitters: PubMed 16199547; PubMed 23807571; PubMed 25614872.

NM_000051.4(ATM):c.7927+2T>G

Genes: ATM (ATM serine/threonine kinase; plus strand), C11orf65 (chromosome 11 open reading frame 65; minus strand). Cytogenetic location: 11q22.3.
Variant type: single nucleotide variant.
Coding change: c.7927+2T>G on transcript NM_000051.4 (MANE Select); the canonical splice donor site of the intron after coding-DNA position 7927, T replaced by G.
Molecular consequence: splice donor variant. On other transcripts: intron variant (2).
Genome position (GRCh38, 1-based): chr11:108,332,902, T>G. VCF-style: chr11-108332902-T-G. GRCh37 (hg19) VCF-style: chr11-108203629-T-G.
Other names: c.7927+2T>G (NM_001351834.2); c.641-23831A>C (NM_001330368.2); c.*38+2318A>C (NM_001351110.2).
Identifiers: ClinVar variation 945205 (VCV000945205.8), dbSNP rs2086432758, ClinGen allele CA382561536.